The following is an entry in ClinVar:

NM_001110556.2(FLNA):c.6493A>C (p.Lys2165Gln)

Gene: FLNA (filamin A; minus strand). Cytogenetic location: Xq28.
Variant type: single nucleotide variant.
Coding change: c.6493A>C on transcript NM_001110556.2 (MANE Select); coding-DNA position 6493, A replaced by C.
Protein change: p.Lys2165Gln; replaces lysine 2165 with glutamine.
Molecular consequence: missense variant.
Genome position (GRCh38, 1-based): chrX:154,352,562, T>G on the plus strand (A>C on the coding strand, the complement: FLNA is on the minus strand). VCF-style: chrX-154352562-T-G. GRCh37 (hg19) VCF-style: chrX-153580930-T-G.
Other names: c.6469A>C, p.Lys2157Gln (NM_001456.4); c.6469A>C (NM_001456.3); short protein forms K2165Q, K2157Q.
Identifiers: ClinVar variation 2922135 (VCV002922135.4), dbSNP rs2522721437, ClinGen allele CA415191831.
Genomic context (GRCh38, chrX:154,352,562, plus strand): 5'-TGGGGCTGCTTGAGCCCCAGGACCCCTCCCCAGGCTTCCCACAGCCCCTACCAGGGATTT[T>G]CAGGCTGAGGTCACAATGACTACCAACGTTGGCCACTGAAGGAGCCCGACGCCTGCGGGT-3'
Protein context (NP_001104026.1, residues 2155-2175): NVGSHCDLSL[Lys2165Gln]IPEISIQDMT

ClinVar aggregate classification (germline): Uncertain significance. Review status: criteria provided, multiple submitters, no conflicts (2 of 4 stars). 2 submissions from 2 submitters: Uncertain significance (2). Last evaluated 2025-06-30.

Conditions:
Oto-palato-digital syndrome, type II (OPD2). Also called: Otopalatodigital Syndrome Type 2 (FLNA-OPD2); FACIOPALATOOSSEOUS SYNDROME; OPD II SYNDROME; Otopalatodigital Syndrome, Type II. Identifiers: Orphanet 669, Orphanet 90652, MedGen C1844696, MONDO:0010571, OMIM 304120.
Heterotopia, periventricular, X-linked dominant (PVNH1). Also called: PERIVENTRICULAR NODULAR HETEROTOPIA 1; X-linked periventricular heterotopia; PERIVENTRICULAR NODULAR HETEROTOPIA 4; HETEROTOPIA, PERIVENTRICULAR, 1. Identifiers: Orphanet 2149, Orphanet 82004, MedGen C1848213, MONDO:0010233, OMIM 300049.
Melnick-Needles syndrome (MNS). Also called: Melnick-Needles Syndrome (FLNA-MNS); MELNICK-NEEDLES OSTEODYSPLASTY; OSTEODYSPLASTY OF MELNICK AND NEEDLES. Identifiers: Orphanet 2484, MedGen C0025237, MONDO:0010650, OMIM 309350.
Frontometaphyseal dysplasia (FMD1). Identifiers: Orphanet 1826, MedGen C0265293, MONDO:0015942.

Submissions (2):

GeneDx
Classification: Uncertain significance. Last evaluated: 2025-06-30. Review status: criteria provided, single submitter. Criteria: GeneDx Variant Classification Process June 2021. Collection method: clinical testing. Allele origin: germline. Affected: yes.
Comment: Not observed at significant frequency in large population cohorts (gnomAD); In silico analysis supports that this missense variant has a deleterious effect on protein structure/function; Has not been previously published as pathogenic or benign to our knowledge

Labcorp Genetics (formerly Invitae), Labcorp
Classification: Uncertain significance for Oto-palato-digital syndrome, type II; Heterotopia, periventricular, X-linked dominant; Frontometaphyseal dysplasia; Melnick-Needles syndrome. Last evaluated: 2024-01-11. Review status: criteria provided, single submitter. Criteria: Invitae Variant Classification Sherloc (09022015). Collection method: clinical testing. Allele origin: germline.
Comment: This sequence change replaces lysine, which is basic and polar, with glutamine, which is neutral and polar, at codon 2157 of the FLNA protein (p.Lys2157Gln). This variant is not present in population databases (gnomAD no frequency). This variant has not been reported in the literature in individuals affected with FLNA-related conditions. Advanced modeling of protein sequence and biophysical properties (such as structural, functional, and spatial information, amino acid conservation, physicochemical variation, residue mobility, and thermodynamic stability) performed at Invitae indicates that this missense variant is not expected to disrupt FLNA protein function with a negative predictive value of 95%. In summary, the available evidence is currently insufficient to determine the role of this variant in disease. Therefore, it has been classified as a Variant of Uncertain Significance.